The following is an entry in ClinVar:

NM_002474.3(MYH11):c.1868A>T (p.Asp623Val)

Gene: MYH11 (myosin heavy chain 11; minus strand). Cytogenetic location: 16p13.11.
Variant type: single nucleotide variant.
Coding change: c.1868A>T on transcript NM_002474.3 (MANE Select); coding-DNA position 1868, A replaced by T.
Protein change: p.Asp623Val; replaces aspartic acid 623 with valine.
Molecular consequence: missense variant.
Genome position (GRCh38, 1-based): chr16:15,750,328, T>A on the plus strand (A>T on the coding strand, the complement: MYH11 is on the minus strand). VCF-style: chr16-15750328-T-A. GRCh37 (hg19) VCF-style: chr16-15844185-T-A.
Other names: c.1889A>T, p.Asp630Val (NM_001040113.2, NM_001040114.2); c.1868A>T, p.Asp623Val (NM_022844.3); short protein forms D623V, D630V.
Identifiers: ClinVar variation 3070695 (VCV003070695.1), dbSNP rs751232816, ClinGen allele CA394869233.

ClinVar aggregate classification (germline): Uncertain significance (1 of 4 stars; one submission).

Conditions:
Familial thoracic aortic aneurysm and aortic dissection (TAAD). Also called: Thoracic aortic aneurysms and dissections. Identifiers: Orphanet 91387, MedGen C4707243, MONDO:0019625.

Submission:

All of Us Research Program, National Institutes of Health
Classification: Uncertain significance for Familial thoracic aortic aneurysm and aortic dissection. Last evaluated: 2023-05-04. Review status: criteria provided, single submitter. Criteria: ACMG Guidelines, 2015. Collection method: clinical testing. Allele origin: germline. Inheritance: Autosomal dominant inheritance. Observed: 1 variant allele, 1 heterozygote.
Comment: This missense variant replaces aspartic acid with valine at codon 630 of the MYH11 protein. Computational prediction suggests that this variant may have deleterious impact on protein structure and function (internally defined REVEL score threshold >= 0.7, PMID: 27666373). To our knowledge, functional studies have not been reported for this variant. This variant has not been reported in individuals affected with MYH11-related disorders in the literature. This variant has not been identified in the general population by the Genome Aggregation Database (gnomAD). The available evidence is insufficient to determine the role of this variant in disease conclusively. Therefore, this variant is classified as a Variant of Uncertain Significance.

This study involves interpretation of variants in research participants for the purpose of population health screening. Participant phenotype was not available at the time of variant classification. Additional details can be found in publication PMID: 35346344, PMCID: PMC8962531